The following is an entry in ClinVar:

NM_020884.7(MYH7B):c.2433G>A (p.Leu811=)

Gene: MYH7B (myosin heavy chain 7B; plus strand). Cytogenetic location: 20q11.22.
Variant type: single nucleotide variant.
Coding change: c.2433G>A on transcript NM_020884.7 (MANE Select); coding-DNA position 2433, G replaced by A.
Protein change: p.Leu811=; no amino-acid change (leucine 811 retained).
Molecular consequence: synonymous variant.
Genome position (GRCh38, 1-based): chr20:34,993,459, G>A. VCF-style: chr20-34993459-G-A. GRCh37 (hg19) VCF-style: chr20-33581262-G-A.
Identifiers: ClinVar variation 2652270 (VCV002652270.26), dbSNP rs747759168, ClinGen allele CA9827370.
Genomic context (GRCh38, chr20:34,993,459, plus strand): 5'-GCTGACGCTGCTGCAGGCGCGGAGCCGTGGCCGCCTCATGCGCCTTGAGTACCAGCGCCT[G>A]CTGGGAGGCAGGTGGGTGTGGGAAGGAGGCTGGGGACAGGGTGTGTCCCCTGCCTCTCAG-3'
Protein context (NP_065935.4, residues 801-821): GRLMRLEYQR[Leu811=]LGGRDALFTI

ClinVar aggregate classification (germline): Benign/Likely benign. Review status: criteria provided, multiple submitters, no conflicts (2 of 4 stars). 2 submissions from 2 submitters: Benign (1); Likely benign (1). Last evaluated 2025-04-19.

Allele frequency attached by ClinVar (database versions not stated): gnomAD 0.00003; TOPMed 0.00005; gnomAD exomes 0.00007; ExAC 0.00015.
gnomAD v4.1: 109 of 1,600,400 alleles (0.0068%); highest among the groups gnomAD compares: Middle Eastern, 0.017%; no homozygotes.

Submissions (2):

Labcorp Genetics (formerly Invitae), Labcorp
Classification: Benign. Last evaluated: 2025-04-19. Review status: criteria provided, single submitter. Criteria: Invitae Variant Classification Sherloc (09022015). Collection method: clinical testing. Allele origin: germline.

CeGaT Center for Human Genetics Tuebingen
Classification: Likely benign. Last evaluated: 2022-07-01. Review status: criteria provided, single submitter. Criteria: CeGaT Center For Human Genetics Tuebingen Variant Classification Criteria Version 2. Collection method: clinical testing. Allele origin: germline. Affected: yes. Observed: 1 variant allele.
Comment: MYH7B: BP4, BP7